The following is an entry in ClinVar:

NM_001277115.2(DNAH11):c.10166-1G>C

Gene: DNAH11 (dynein axonemal heavy chain 11; plus strand). Cytogenetic location: 7p15.3.
Variant type: single nucleotide variant.
Coding change: c.10166-1G>C on transcript NM_001277115.2 (MANE Select); the canonical splice acceptor site of the intron before coding-DNA position 10166, G replaced by C.
Molecular consequence: splice acceptor variant.
Genome position (GRCh38, 1-based): chr7:21,807,882, G>C. VCF-style: chr7-21807882-G-C. GRCh37 (hg19) VCF-style: chr7-21847500-G-C.
Identifiers: ClinVar variation 1743864 (VCV001743864.6), dbSNP rs1166330097, ClinGen allele CA366945772.

ClinVar aggregate classification (germline): Likely pathogenic. Review status: criteria provided, multiple submitters, no conflicts (2 of 4 stars). 3 submissions from 3 submitters: Likely pathogenic (3). Last evaluated 2025-02-19.

Conditions:
Primary ciliary dyskinesia. Also called: Ciliary dyskinesia. Identifiers: Orphanet 244, MedGen C0008780, MONDO:0016575, HP:0012265.
Primary ciliary dyskinesia 7. Also called: CILIARY DYSKINESIA, PRIMARY, 7, WITH OR WITHOUT SITUS INVERSUS. Identifiers: Orphanet 244, MedGen C2678473, MONDO:0012748, OMIM 611884.

Allele frequency attached by ClinVar (database versions not stated): TOPMed 0.00002; gnomAD 0.00003.
gnomAD v4.1: 11 of 1,587,888 alleles (0.00069%); highest among the groups gnomAD compares: African/African-American, 0.0013%; no homozygotes.

Submissions (3):

Broad Center for Mendelian Genomics, Broad Institute of MIT and Harvard
Classification: Likely pathogenic for Primary ciliary dyskinesia 7. Last evaluated: 2025-02-19. Review status: criteria provided, single submitter. Criteria: ACMG Guidelines, 2015. Collection method: curation. Allele origin: germline. Inheritance: Autosomal recessive inheritance.
Comment: The c.10166-1G>C variant in DNAH11 has not been previously reported in the literature in individuals with primary ciliary dyskinesia, but has been identified in 0.001% (1/74548) of African/African American chromosomes by the Genome Aggregation Database (gnomAD; dbSNP rs1166330097). Although this variant has been seen in the general population in a heterozygous state, its frequency is low enough to be consistent with a recessive carrier frequency. This variant has also been reported in ClinVar (Variation ID: 1743864) and has been interpreted as likely pathogenic by Ambry Genetics. This variant is located in the 3' splice region. Computational tools predict a splicing impact, though this information is not predictive enough to determine pathogenicity. Loss of function of the DNAH11 gene is an established disease mechanism in autosomal recessive primary ciliary dyskinesia. In summary, although additional studies are required to fully establish its clinical significance, this variant is likely pathogenic for autosomal recessive primary ciliary dyskinesia. ACMG/AMP Criteria applied: PVS1, PM2_supporting (Richards 2015).

Labcorp Genetics (formerly Invitae), Labcorp
Classification: Likely pathogenic for Primary ciliary dyskinesia. Last evaluated: 2023-07-15. Review status: criteria provided, single submitter. Criteria: Invitae Variant Classification Sherloc (09022015). Collection method: clinical testing. Allele origin: germline.
Comment: In summary, the currently available evidence indicates that the variant is pathogenic, but additional data are needed to prove that conclusively. Therefore, this variant has been classified as Likely Pathogenic. Algorithms developed to predict the effect of sequence changes on RNA splicing suggest that this variant may disrupt the consensus splice site. ClinVar contains an entry for this variant (Variation ID: 1743864). This variant has not been reported in the literature in individuals affected with DNAH11-related conditions. This variant is present in population databases (no rsID available, gnomAD 0.01%). This sequence change affects an acceptor splice site in intron 62 of the DNAH11 gene. It is expected to disrupt RNA splicing. Variants that disrupt the donor or acceptor splice site typically lead to a loss of protein function (PMID: 16199547), and loss-of-function variants in DNAH11 are known to be pathogenic (PMID: 18022865, 20513915, 22184204).

Ambry Genetics
Classification: Likely pathogenic for Primary ciliary dyskinesia. Last evaluated: 2017-04-18. Review status: criteria provided, single submitter. Criteria: Ambry Variant Classification Scheme 2023. Collection method: clinical testing. Allele origin: germline.
Comment: The c.10166-1G>C intronic variant results from a G to C substitution one nucleotide upstream from coding exon 63 of the DNAH11 gene. This nucleotide position is highly conserved in available vertebrate species. Based on the ESEfinder in silico model, this alteration is predicted to abolish the native splice acceptor site; however experimental evidence is not currently available. Alterations that disrupt the canonical splice site are expected to cause aberrant splicing, resulting in an abnormal protein or a transcript that is subject to nonsense-mediated mRNA decay. As such, this alteration is classified as likely pathogenic.

Literature cited by the submitters: PubMed 16199547 (cited by Labcorp Genetics (formerly Invitae), Labcorp); PubMed 18022865 (cited by Labcorp Genetics (formerly Invitae), Labcorp); PubMed 20513915 (cited by Labcorp Genetics (formerly Invitae), Labcorp); PubMed 22184204 (cited by Labcorp Genetics (formerly Invitae), Labcorp).